The following is an entry in ClinVar:

ClinVar aggregate classification (germline): Conflicting classifications of pathogenicity. Review status: criteria provided, conflicting classifications (1 of 4 stars). 6 submissions from 6 submitters: Uncertain significance (2); Benign (1); Likely benign (3). Last evaluated 2026-04-15.

Conditions:
TTN-related disorder. Also called: TTN-related disorders; TTN-related condition; TTN-related disease.
Dilated cardiomyopathy 1G (CMD1G). Identifiers: Orphanet 154, MedGen C1858763, MONDO:0011400, OMIM 604145.
Autosomal recessive limb-girdle muscular dystrophy type 2J (LGMDR10). Also called: Limb-girdle muscular dystrophy, type 2J; MUSCULAR DYSTROPHY, LIMB-GIRDLE, AUTOSOMAL RECESSIVE 10. Identifiers: Orphanet 140922, MedGen C1837342, MONDO:0012127, OMIM 608807.

Allele frequency attached by ClinVar (database versions not stated): gnomAD exomes 0.00002 and 0.00005; ExAC 0.00009; gnomAD 0.00019; TOPMed 0.00023; ESP Exome Variant Server 0.00025; 1000 Genomes Project 30x 0.00031; 1000 Genomes Project 0.00040.
gnomAD v4.1: 55 of 1,612,122 alleles (0.0034%); highest among the groups gnomAD compares: African/African-American, 0.063%; no homozygotes.

Submissions (6):

PreventionGenetics, part of Exact Sciences
Classification: Likely benign for TTN-related condition. Last evaluated: 2026-04-15. Review status: criteria provided, single submitter. Criteria: ACMG Guidelines, 2015. Collection method: clinical testing. Allele origin: germline.
Comment: This variant is classified as likely benign based on ACMG/AMP sequence variant interpretation guidelines (Richards et al. 2015 PMID: 25741868, with internal and published modifications).

Labcorp Genetics (formerly Invitae), Labcorp
Classification: Likely benign for Dilated cardiomyopathy 1G; Autosomal recessive limb-girdle muscular dystrophy type 2J. Last evaluated: 2026-01-17. Review status: criteria provided, single submitter. Criteria: Invitae Variant Classification Sherloc (09022015). Collection method: clinical testing. Allele origin: germline.

Women's Health and Genetics/Laboratory Corporation of America, LabCorp
Classification: Benign. Last evaluated: 2025-04-29. Review status: criteria provided, single submitter. Criteria: LabCorp Variant Classification Summary - May 2015. Collection method: clinical testing. Allele origin: germline.
Comment: Variant summary: TTN c.32246-8A>G alters a conserved nucleotide located at a position not widely known to affect splicing. Consensus agreement among computation tools predict no significant impact on normal splicing. However, these predictions have yet to be confirmed by functional studies. The variant allele was found at a frequency of 5.2e-05 in 248098 control chromosomes, predominantly at a frequency of 0.00071 within the African or African-American subpopulation in the gnomAD database. The observed variant frequency within African or African-American control individuals in the gnomAD database is approximately 1.82 fold of the estimated maximal expected allele frequency for a pathogenic variant in TTN causing Dilated Cardiomyopathy phenotype (0.00039). To our knowledge, no occurrence of c.32246-8A>G in individuals affected with TTN-related conditions and no experimental evidence demonstrating its impact on protein function have been reported. ClinVar contains an entry for this variant (Variation ID: 96284). Based on the evidence outlined above, the variant was classified as benign.

GeneDx
Classification: Likely benign. Last evaluated: 2020-10-01. Review status: criteria provided, single submitter. Criteria: GeneDx Variant Classification Process June 2021. Collection method: clinical testing. Allele origin: germline. Affected: yes.

Laboratory for Molecular Medicine, Mass General Brigham Personalized Medicine
Classification: Uncertain significance. Last evaluated: 2013-05-03. Review status: criteria provided, single submitter. Criteria: LMM Criteria. Collection method: clinical testing. Allele origin: germline. Observed: 1 variant allele.
Comment: The 32246-8A>G variant in TTN has not been reported in individuals with cardiomy opathy, but has been identified in 3/3650 African American chromosomes by the NH LBI Exome Sequencing Project. This variant is located in the 3' splice region. Computational tools do not suggest an impact to splicing. However, this information is not predictive enough to rule out pa thogenicity. Additional studies are needed to fully assess its clinical signifi cance.

Eurofins Ntd Llc (ga)
Classification: Uncertain significance. Last evaluated: 2013-03-12. Review status: criteria provided, single submitter. Criteria: EGL Classification Definitions 2015. Collection method: clinical testing. Allele origin: germline. Observed: 1 variant allele, 1 heterozygote.

NM_001267550.2(TTN):c.39548-8A>G

Gene: TTN (titin; minus strand). Cytogenetic location: 2q31.2.
Variant type: single nucleotide variant.
Coding change: c.39548-8A>G on transcript NM_001267550.2 (MANE Select); 8 bases into the intron before coding-DNA position 39548, A replaced by G.
Molecular consequence: intron variant.
Genome position (GRCh38, 1-based): chr2:178,651,328, T>C on the plus strand (A>G on the coding strand, the complement: TTN is on the minus strand). VCF-style: chr2-178651328-T-C. GRCh37 (hg19) VCF-style: chr2-179516055-T-C.
Other names: c.13283-9011A>G (NM_003319.4); c.13859-9011A>G (NM_133437.4); c.13658-9011A>G (NM_133432.3); c.32246-8A>G (NM_133378.4); c.35027-8A>G (NM_001256850.1).
Identifiers: ClinVar variation 96284 (VCV000096284.26), dbSNP rs369594816, ClinGen allele CA178879.